The following is an entry in ClinVar:

NM_006846.4(SPINK5):c.2594G>C (p.Arg865Thr)

Gene: SPINK5 (serine peptidase inhibitor Kazal type 5; plus strand). Cytogenetic location: 5q32.
Variant type: single nucleotide variant.
Coding change: c.2594G>C on transcript NM_006846.4 (MANE Select); coding-DNA position 2594, G replaced by C.
Protein change: p.Arg865Thr; replaces arginine 865 with threonine.
Molecular consequence: missense variant.
Genome position (GRCh38, 1-based): chr5:148,123,888, G>C. VCF-style: chr5-148123888-G-C. GRCh37 (hg19) VCF-style: chr5-147503451-G-C.
Other names: c.2594G>C, p.Arg865Thr (NM_001127698.2, NM_001127699.2); short protein forms R865T.
Identifiers: ClinVar variation 834333 (VCV000834333.8), dbSNP rs1185407158, ClinGen allele CA361647741.
Genomic context (GRCh38, chr5:148,123,888, plus strand): 5'-GGTAGGATCTGTGTCGTGAATTTCGAAGCATGCAGAGAAATGGAAAGCTTATCTGCACCA[G>C]AGAAAATAACCCTGTTCGAGGCCCATATGGCAAGATGCACATCAATAAATGTGCTATGTG-3'
Protein context (NP_006837.2, residues 855-875): MQRNGKLICT[Arg865Thr]ENNPVRGPYG

ClinVar aggregate classification (germline): Uncertain significance (1 of 4 stars; one submission).

Conditions:
Ichthyosis linearis circumflexa. Identifiers: MedGen C0265962, MONDO:0043106, HP:0025810.

Allele frequency attached by ClinVar (database versions not stated): TOPMed below 0.00001; gnomAD 0.00001.
gnomAD v4.1: 1 of 1,613,890 alleles (0.000062%); highest among the groups gnomAD compares: Non-Finnish European, 0.000085%; no homozygotes.

Submission:

Labcorp Genetics (formerly Invitae), Labcorp
Classification: Uncertain significance for Ichthyosis linearis circumflexa. Last evaluated: 2022-08-12. Review status: criteria provided, single submitter. Criteria: Invitae Variant Classification Sherloc (09022015). Collection method: clinical testing. Allele origin: germline.
Comment: In summary, the available evidence is currently insufficient to determine the role of this variant in disease. Therefore, it has been classified as a Variant of Uncertain Significance. Algorithms developed to predict the effect of missense changes on protein structure and function are either unavailable or do not agree on the potential impact of this missense change (SIFT: "Deleterious"; PolyPhen-2: "Possibly Damaging"; Align-GVGD: "Class C0"). ClinVar contains an entry for this variant (Variation ID: 834333). This variant has not been reported in the literature in individuals affected with SPINK5-related conditions. This variant is not present in population databases (gnomAD no frequency). This sequence change replaces arginine, which is basic and polar, with threonine, which is neutral and polar, at codon 865 of the SPINK5 protein (p.Arg865Thr).